The following is an entry in ClinVar:

ClinVar aggregate classification (germline): Uncertain significance. Review status: criteria provided, multiple submitters, no conflicts (2 of 4 stars). 2 submissions from 2 submitters: Uncertain significance (2). Last evaluated 2025-08-02.

Conditions:
Hereditary cancer-predisposing syndrome. Also called: Neoplastic Syndromes, Hereditary; Hereditary neoplastic syndrome; Hereditary Cancer Syndrome; Tumor predisposition. Identifiers: Orphanet 140162, MedGen C0027672, MeSH D009386, MONDO:0015356.
Neuroblastoma, susceptibility to, 3. Also called: ALK-Related Neuroblastic Tumor Susceptibility. Identifiers: Orphanet 635, MedGen C2751681, MONDO:0013083, OMIM 613014.

Allele frequency attached by ClinVar (database versions not stated): gnomAD exomes below 0.00001.
gnomAD v4.1: 2 of 1,614,246 alleles (0.00012%); highest among the groups gnomAD compares: Non-Finnish European, 0.00017%; no homozygotes.

Submissions (2):

Ambry Genetics
Classification: Uncertain significance for Hereditary cancer-predisposing syndrome. Last evaluated: 2025-08-02. Review status: criteria provided, single submitter. Criteria: Ambry Variant Classification Scheme 2023. Collection method: clinical testing. Allele origin: germline.
Comment: The p.I801V variant (also known as c.2401A>G), located in coding exon 14 of the ALK gene, results from an A to G substitution at nucleotide position 2401. The isoleucine at codon 801 is replaced by valine, an amino acid with highly similar properties. This amino acid position is conserved. In addition, this alteration is predicted to be tolerated by in silico analysis. Based on the available evidence, the clinical significance of this variant remains unclear.

Labcorp Genetics (formerly Invitae), Labcorp
Classification: Uncertain significance for Neuroblastoma, susceptibility to, 3. Last evaluated: 2022-03-05. Review status: criteria provided, single submitter. Criteria: Invitae Variant Classification Sherloc (09022015). Collection method: clinical testing. Allele origin: germline.
Comment: In summary, the available evidence is currently insufficient to determine the role of this variant in disease. Therefore, it has been classified as a Variant of Uncertain Significance. Algorithms developed to predict the effect of missense changes on protein structure and function are either unavailable or do not agree on the potential impact of this missense change (SIFT: "Deleterious"; PolyPhen-2: "Benign"; Align-GVGD: "Class C25"). ClinVar contains an entry for this variant (Variation ID: 942912). This variant has not been reported in the literature in individuals affected with ALK-related conditions. This variant is not present in population databases (gnomAD no frequency). This sequence change replaces isoleucine, which is neutral and non-polar, with valine, which is neutral and non-polar, at codon 801 of the ALK protein (p.Ile801Val).

NM_004304.5(ALK):c.2401A>G (p.Ile801Val)

Gene: ALK (ALK receptor tyrosine kinase; minus strand). Cytogenetic location: 2p23.2.
Variant type: single nucleotide variant.
Coding change: c.2401A>G on transcript NM_004304.5 (MANE Select); coding-DNA position 2401, A replaced by G.
Protein change: p.Ile801Val; replaces isoleucine 801 with valine.
Molecular consequence: missense variant.
Genome position (GRCh38, 1-based): chr2:29,233,651, T>C on the plus strand (A>G on the coding strand, the complement: ALK is on the minus strand). VCF-style: chr2-29233651-T-C. GRCh37 (hg19) VCF-style: chr2-29456517-T-C.
Other names: short protein forms I801V.
Identifiers: ClinVar variation 942912 (VCV000942912.10), dbSNP rs1664284078, ClinGen allele CA346472399.